The following is an entry in ClinVar:

NM_003413.4(ZIC3):c.*489A>G

Gene: ZIC3 (Zic family zinc finger 3; plus strand). Cytogenetic location: Xq26.3.
Variant type: single nucleotide variant.
Coding change: c.*489A>G on transcript NM_003413.4 (MANE Select); 489 bases downstream of the stop codon, A replaced by G.
Molecular consequence: 3 prime UTR variant. On other transcripts: intron variant (1).
Genome position (GRCh38, 1-based): chrX:137,570,559, A>G. VCF-style: chrX-137570559-A-G. GRCh37 (hg19) VCF-style: chrX-136652718-A-G.
Other names: c.1224+1494A>G (NM_001330661.1).
Identifiers: ClinVar variation 367956 (VCV000367956.6), dbSNP rs183286584, ClinGen allele CA10653809.
Genomic context (GRCh38, chrX:137,570,559, plus strand): 5'-GTCCTGTTATGTCTTGAACTTTTCCTCAAAGCATTACACTTGTGAATGTATTTTTGTCTA[A>G]TAGGGTCGAAACTGTTGTTCAGTATTTTTTCAGGCTGAGGATGTGATGTTACTCTACACA-3'

ClinVar aggregate classification (germline): Benign (1 of 4 stars; one submission).

Conditions:
VACTERL association, X-linked, with or without hydrocephalus (VACTERLX). Also called: VACTERL-H, X-LINKED; VACTERL Association with Hydrocephalus, X-linked; X-linked VACTERL-H syndrome; VACTERL ASSOCIATION, X-LINKED. Identifiers: Orphanet 3412, MedGen C2931228, MONDO:0010752, OMIM 314390.

Allele frequency attached by ClinVar (database versions not stated): TOPMed 0.00254; gnomAD 0.00266 and 0.00309; 1000 Genomes Project 30x 0.00333; 1000 Genomes Project 0.00397; gnomAD exomes 0.00458.
gnomAD v4.1: 427 of 130,537 alleles (0.33%); highest among the groups gnomAD compares: South Asian, 2.1%; 5 homozygotes.

Submission:

Illumina Laboratory Services, Illumina
Classification: Benign for VACTERL association, X-linked, with or without hydrocephalus. Last evaluated: 2018-01-13. Review status: criteria provided, single submitter. Criteria: ICSL Variant Classification Criteria 13 December 2019. Collection method: clinical testing. Allele origin: germline.
Comment: This variant was observed in the ICSL laboratory as part of a predisposition screen in an ostensibly healthy population. It had not been previously curated by ICSL or reported in the Human Gene Mutation Database (HGMD: prior to June 1st, 2018), and was therefore a candidate for classification through an automated scoring system. Utilizing variant allele frequency, disease prevalence and penetrance estimates, and inheritance mode, an automated score was calculated to assess if this variant is too frequent to cause the disease. Based on the score and internal cut-off values, a variant classified as benign is not then subjected to further curation. The score for this variant resulted in a classification of benign for this disease.